The following is an entry in ClinVar:

NM_152618.3(BBS12):c.317G>C (p.Gly106Ala)

Gene: BBS12 (Bardet-Biedl syndrome 12; plus strand). Cytogenetic location: 4q27.
Variant type: single nucleotide variant.
Coding change: c.317G>C on transcript NM_152618.3 (MANE Select); coding-DNA position 317, G replaced by C.
Protein change: p.Gly106Ala; replaces glycine 106 with alanine.
Molecular consequence: missense variant.
Genome position (GRCh38, 1-based): chr4:122,742,209, G>C. VCF-style: chr4-122742209-G-C. GRCh37 (hg19) VCF-style: chr4-123663364-G-C.
Other names: c.317G>C, p.Gly106Ala (NM_001178007.2); short protein forms G106A.
Identifiers: ClinVar variation 4994664 (VCV004994664.1).

ClinVar aggregate classification (germline): Uncertain significance (1 of 4 stars; one submission).

Conditions:
BBS12-related disorder. Also called: BBS12-related condition.

Submission:

PreventionGenetics, part of Exact Sciences
Classification: Uncertain significance for BBS12-related condition. Last evaluated: 2026-02-27. Review status: criteria provided, single submitter. Criteria: ACMG Guidelines, 2015. Collection method: clinical testing. Allele origin: germline.
Comment: The BBS12 c.317G>C variant is predicted to result in the amino acid substitution p.Gly106Ala. To our knowledge, this variant has not been reported in the literature or in a large population database (gnomAD), indicating this variant is rare. At this time, the clinical significance of this variant is uncertain due to the absence of conclusive functional and genetic evidence.